The following is an entry in ClinVar:

NM_001059.3(TACR3):c.181C>A (p.Pro61Thr)

Gene: TACR3 (tachykinin receptor 3; minus strand). Cytogenetic location: 4q24.
Variant type: single nucleotide variant.
Coding change: c.181C>A on transcript NM_001059.3 (MANE Select); coding-DNA position 181, C replaced by A.
Protein change: p.Pro61Thr; replaces proline 61 with threonine.
Molecular consequence: missense variant.
Genome position (GRCh38, 1-based): chr4:103,719,495, G>T on the plus strand (C>A on the coding strand, the complement: TACR3 is on the minus strand). VCF-style: chr4-103719495-G-T. GRCh37 (hg19) VCF-style: chr4-104640652-G-T.
Other names: short protein forms P61T.
Identifiers: ClinVar variation 2443276 (VCV002443276.3), dbSNP rs200213663, ClinGen allele CA3031174.

ClinVar aggregate classification (germline): Likely benign. Review status: no assertion criteria provided (0 of 4 stars). 2 submissions from 2 submitters: Likely benign (2). Last evaluated 2024-03-28.

Conditions:
TACR3-related disorder. Also called: TACR3-related condition.

Allele frequency attached by ClinVar (database versions not stated): TOPMed below 0.00001; gnomAD 0.00013; gnomAD exomes 0.00014; ExAC 0.00032; 1000 Genomes Project 30x 0.00094; 1000 Genomes Project 0.00120.
gnomAD v4.1: 216 of 1,611,782 alleles (0.013%); highest among the groups gnomAD compares: South Asian, 0.23%; 3 homozygotes.

Submissions (2):

PreventionGenetics, part of Exact Sciences
Classification: Likely benign for TACR3-related condition. Last evaluated: 2024-03-28. Review status: no assertion criteria provided. Collection method: clinical testing. Allele origin: germline.
Comment: This variant is classified as likely benign based on ACMG/AMP sequence variant interpretation guidelines (Richards et al. 2015 PMID: 25741868, with internal and published modifications).

Genetic Services Laboratory, University of Chicago
Classification: Likely benign. Last evaluated: 2022-08-01. Review status: no assertion criteria provided. Collection method: clinical testing. Allele origin: germline. Affected: no.